The following is an entry in ClinVar:

ClinVar aggregate classification (germline): Uncertain significance (1 of 4 stars; one submission).

Allele frequency attached by ClinVar (database versions not stated): TOPMed below 0.00001; gnomAD exomes below 0.00001.

Submission:

Labcorp Genetics (formerly Invitae), Labcorp
Classification: Uncertain significance. Last evaluated: 2023-11-28. Review status: criteria provided, single submitter. Criteria: Invitae Variant Classification Sherloc (09022015). Collection method: clinical testing. Allele origin: germline.
Comment: This sequence change replaces arginine, which is basic and polar, with lysine, which is basic and polar, at codon 946 of the HPS3 protein (p.Arg946Lys). This variant is present in population databases (rs369619705, gnomAD 0.006%). This variant has not been reported in the literature in individuals affected with HPS3-related conditions. ClinVar contains an entry for this variant (Variation ID: 1391109). Algorithms developed to predict the effect of missense changes on protein structure and function output the following: SIFT: "Not Available"; PolyPhen-2: "Possibly Damaging"; Align-GVGD: "Not Available". The lysine amino acid residue is found in multiple mammalian species, which suggests that this missense change does not adversely affect protein function. In summary, the available evidence is currently insufficient to determine the role of this variant in disease. Therefore, it has been classified as a Variant of Uncertain Significance.

NM_032383.5(HPS3):c.2837G>A (p.Arg946Lys)

Genes: CP (ceruloplasmin; minus strand), HPS3 (HPS3 biogenesis of lysosomal organelles complex 2 subunit 1; plus strand). Cytogenetic location: 3q24.
Variant type: single nucleotide variant.
Coding change: c.2837G>A on transcript NM_032383.5 (MANE Select); coding-DNA position 2837, G replaced by A.
Protein change: p.Arg946Lys; replaces arginine 946 with lysine.
Molecular consequence: missense variant.
Genome position (GRCh38, 1-based): chr3:149,167,933, G>A. VCF-style: chr3-149167933-G-A. GRCh37 (hg19) VCF-style: chr3-148885720-G-A.
Other names: c.2342G>A, p.Arg781Lys (NM_001308258.2); short protein forms R781K, R946K.
Identifiers: ClinVar variation 1391109 (VCV001391109.6), dbSNP rs369619705, ClinGen allele CA85518554.